The following is an entry in ClinVar:

ClinVar aggregate classification (germline): Uncertain significance. Review status: criteria provided, multiple submitters, no conflicts (2 of 4 stars). 2 submissions from 2 submitters: Uncertain significance (2). Last evaluated 2023-12-15.

Allele frequency attached by ClinVar (database versions not stated): ExAC 0.00001; gnomAD 0.00001; gnomAD exomes 0.00001; TOPMed 0.00002.
gnomAD v4.1: 6 of 1,614,056 alleles (0.00037%); highest among the groups gnomAD compares: Non-Finnish European, 0.00034%; no homozygotes.

Submissions (2):

Blueprint Genetics
Classification: Uncertain significance. Last evaluated: 2023-12-15. Review status: criteria provided, single submitter. Criteria: ACMG Guidelines, 2015. Collection method: clinical testing. Allele origin: germline.

Labcorp Genetics (formerly Invitae), Labcorp
Classification: Uncertain significance. Last evaluated: 2021-02-05. Review status: criteria provided, single submitter. Criteria: Invitae Variant Classification Sherloc (09022015). Collection method: clinical testing. Allele origin: germline.
Comment: This variant has not been reported in the literature in individuals with PDZD7-related conditions. This variant is present in population databases (rs775071299, ExAC 0.001%). This sequence change replaces glutamic acid with glutamine at codon 506 of the PDZD7 protein (p.Glu506Gln). The glutamic acid residue is weakly conserved and there is a small physicochemical difference between glutamic acid and glutamine. Algorithms developed to predict the effect of missense changes on protein structure and function are either unavailable or do not agree on the potential impact of this missense change (SIFT: "Deleterious"; PolyPhen-2: "Not Available"; Align-GVGD: "Class C0"). In summary, the available evidence is currently insufficient to determine the role of this variant in disease. Therefore, it has been classified as a Variant of Uncertain Significance.

NM_001195263.2(PDZD7):c.1516G>C (p.Glu506Gln)

Gene: PDZD7 (PDZ domain containing 7; minus strand). Cytogenetic location: 10q24.31.
Variant type: single nucleotide variant.
Coding change: c.1516G>C on transcript NM_001195263.2 (MANE Select); coding-DNA position 1516, G replaced by C.
Protein change: p.Glu506Gln; replaces glutamic acid 506 with glutamine.
Molecular consequence: missense variant.
Genome position (GRCh38, 1-based): chr10:101,018,105, C>G on the plus strand (G>C on the coding strand, the complement: PDZD7 is on the minus strand). VCF-style: chr10-101018105-C-G. GRCh37 (hg19) VCF-style: chr10-102777862-C-G.
Other names: c.1544G>C, p.Arg515Thr (NM_001351044.2); c.1516G>C, p.Glu506Gln (NM_024895.5); short protein forms E506Q, R515T.
Identifiers: ClinVar variation 1370124 (VCV001370124.7), dbSNP rs775071299, ClinGen allele CA5654072.